The following is an entry in ClinVar:

NM_007194.4(CHEK2):c.1095+3A>T

Gene: CHEK2 (checkpoint kinase 2; minus strand). Cytogenetic location: 22q12.1.
Variant type: single nucleotide variant.
Coding change: c.1095+3A>T on transcript NM_007194.4 (MANE Select); 3 bases into the intron after coding-DNA position 1095, A replaced by T.
Molecular consequence: intron variant.
Genome position (GRCh38, 1-based): chr22:28,696,898, T>A on the plus strand (A>T on the coding strand, the complement: CHEK2 is on the minus strand). VCF-style: chr22-28696898-T-A. GRCh37 (hg19) VCF-style: chr22-29092886-T-A.
Other names: c.432+3A>T (NM_001437942.1, NM_001257387.3); c.894+3A>T (NM_001349956.3); c.1009-1025A>T (NM_145862.3); c.1102-1025A>T (NM_001438295.1); c.1188+3A>T (NM_001438293.1); c.1138-1025A>T (NM_001438294.1); c.1224+3A>T (NM_001005735.3).
Identifiers: ClinVar variation 665191 (VCV000665191.8), dbSNP rs1601726484, ClinGen allele CA915952851.

ClinVar aggregate classification (germline): Uncertain significance. Review status: criteria provided, multiple submitters, no conflicts (2 of 4 stars). 2 submissions from 2 submitters: Uncertain significance (2). Last evaluated 2026-07-22.

Conditions:
Hereditary cancer-predisposing syndrome. Also called: Neoplastic Syndromes, Hereditary; Hereditary Cancer Syndrome; Hereditary neoplastic syndrome; Tumor predisposition. Identifiers: Orphanet 140162, MedGen C0027672, MeSH D009386, MONDO:0015356.
Familial cancer of breast. Also called: hereditary breast carcinoma; BREAST CANCER, FAMILIAL; Hereditary breast cancer. Identifiers: Orphanet 227535, MedGen C0346153, MONDO:0016419, OMIM 114480. Disease mechanism: loss of function.

Submissions (2):

Ambry Genetics
Classification: Uncertain significance for Hereditary cancer-predisposing syndrome. Last evaluated: 2026-07-22. Review status: criteria provided, single submitter. Criteria: Ambry Variant Classification Scheme 2023. Collection method: clinical testing. Allele origin: germline.
Comment: The c.1095+3A>T intronic variant results from an A to T substitution 3 nucleotides after coding exon 9 in the CHEK2 gene. This nucleotide position is not well conserved in available vertebrate species. In silico splice site analysis predicts that this alteration may weaken the native splice donor site. Based on the available evidence, the clinical significance of this variant remains unclear.

Labcorp Genetics (formerly Invitae), Labcorp
Classification: Uncertain significance for Familial cancer of breast. Last evaluated: 2025-12-03. Review status: criteria provided, single submitter. Criteria: Invitae Variant Classification Sherloc (09022015). Collection method: clinical testing. Allele origin: germline.
Comment: This sequence change falls in intron 10 of the CHEK2 gene. It does not directly change the encoded amino acid sequence of the CHEK2 protein. It affects a nucleotide within the consensus splice site. This variant is not present in population databases (gnomAD no frequency). This variant has not been reported in the literature in individuals affected with CHEK2-related conditions. ClinVar contains an entry for this variant (Variation ID: 665191). Variants that disrupt the consensus splice site are a relatively common cause of aberrant splicing (PMID: 17576681, 9536098). Algorithms developed to predict the effect of sequence changes on RNA splicing suggest that this variant may disrupt the consensus splice site. In summary, the available evidence is currently insufficient to determine the role of this variant in disease. Therefore, it has been classified as a Variant of Uncertain Significance.

Literature cited by the submitters: PubMed 17576681 (cited by Labcorp Genetics (formerly Invitae), Labcorp); PubMed 9536098 (cited by Labcorp Genetics (formerly Invitae), Labcorp).